The following is an entry in ClinVar:

ClinVar aggregate classification (germline): Conflicting classifications of pathogenicity. Review status: criteria provided, conflicting classifications (1 of 4 stars). 2 submissions from 2 submitters: Uncertain significance (1); Benign (1). Last evaluated 2018-01-13.

Conditions:
Maturity-onset diabetes of the young (MODY). Also called: Maturity onset diabetes mellitus in young. Identifiers: Orphanet 552, MedGen C0342276, MONDO:0018911, HP:0004904.
Maturity-onset diabetes of the young type 3. Also called: MODY type 3; MODY, type III. Identifiers: Orphanet 552, MedGen C1838100, MeSH C563933, MONDO:0010894, OMIM 600496. Disease mechanism: loss of function.

Submissions (2):

Illumina Laboratory Services, Illumina
Classification: Uncertain significance for Maturity-onset diabetes of the young type 3. Last evaluated: 2018-01-13. Review status: criteria provided, single submitter. Criteria: ICSL Variant Classification Criteria 13 December 2019. Collection method: clinical testing. Allele origin: germline.

Clinical Genomics, Uppaluri K&H Personalized Medicine Clinic
Classification: Benign for Maturity-onset diabetes of the young. Review status: criteria provided, single submitter. Criteria: K & H Uppaluri Personalized Medicine Clinic Variant Classification & Assertion Criteria_Updated V.1. Collection method: research. Allele origin: unknown. Inheritance: Autosomal dominant inheritance.
Comment: Mutations in HNF1A gene can predispose to MODY3. It is associated with both micro and macrovascular complications of diabetes, especially cardiovascular complications. Associated with glucosuria. May respond well to sulfonylureas. However, more evidence is required to confer the association of this particular variant rs1877483762 with MODY3.

Literature cited by the submitters: PubMed 31517624 (cited by Clinical Genomics, Uppaluri K&H Personalized Medicine Clinic); PubMed 32395877 (cited by Clinical Genomics, Uppaluri K&H Personalized Medicine Clinic); PubMed 35328643 (cited by Clinical Genomics, Uppaluri K&H Personalized Medicine Clinic); PubMed 35673428 (cited by Clinical Genomics, Uppaluri K&H Personalized Medicine Clinic).

NM_000545.8(HNF1A):c.*335C>T

Genes: C12orf43 (chromosome 12 open reading frame 43; minus strand), HNF1A (HNF1 homeobox A; plus strand). Cytogenetic location: 12q24.31.
Variant type: single nucleotide variant.
Coding change: c.*335C>T on transcript NM_000545.8 (MANE Select); 335 bases downstream of the stop codon, C replaced by T.
Molecular consequence: 3 prime UTR variant.
Genome position (GRCh38, 1-based): chr12:121,001,527, C>T. VCF-style: chr12-121001527-C-T. GRCh37 (hg19) VCF-style: chr12-121439330-C-T.
Other names: c.*2626G>A (NM_001286191.2, NM_001286196.2, NM_022895.3); c.*335C>T (NM_001306179.2, NM_001406915.1).
Identifiers: ClinVar variation 880941 (VCV000880941.5), dbSNP rs1877483762, ClinGen allele CA1139662936.